The following is an entry in ClinVar:

NM_003126.4(SPTA1):c.6549-13G>A

Gene: SPTA1 (spectrin alpha, erythrocytic 1; minus strand). Cytogenetic location: 1q23.1.
Variant type: single nucleotide variant.
Coding change: c.6549-13G>A on transcript NM_003126.4 (MANE Select); 13 bases into the intron before coding-DNA position 6549, G replaced by A.
Molecular consequence: intron variant.
Genome position (GRCh38, 1-based): chr1:158,617,601, C>T on the plus strand (G>A on the coding strand, the complement: SPTA1 is on the minus strand). VCF-style: chr1-158617601-C-T. GRCh37 (hg19) VCF-style: chr1-158587391-C-T.
Identifiers: ClinVar variation 2571727 (VCV002571727.2), dbSNP rs528503195, ClinGen allele CA1181932.

ClinVar aggregate classification (germline): Uncertain significance. Review status: criteria provided, multiple submitters, no conflicts (2 of 4 stars). 2 submissions from 2 submitters: Uncertain significance (2). Last evaluated 2023-10-12.

Allele frequency attached by ClinVar (database versions not stated): gnomAD 0.00002; TOPMed 0.00002; 1000 Genomes Project 0.00020; 1000 Genomes Project 30x 0.00031.

Submissions (2):

Revvity Omics, Revvity
Classification: Uncertain significance. Last evaluated: 2023-10-12. Review status: criteria provided, single submitter. Criteria: ACMG Guidelines, 2015. Collection method: clinical testing. Allele origin: germline.

GeneDx
Classification: Uncertain significance. Last evaluated: 2023-01-04. Review status: criteria provided, single submitter. Criteria: GeneDx Variant Classification Process June 2021. Collection method: clinical testing. Allele origin: germline. Affected: yes.
Comment: In silico analysis supports a deleterious effect on splicing; Has not been previously published as pathogenic or benign to our knowledge